The following is an entry in ClinVar:

ClinVar aggregate classification (germline): Pathogenic (1 of 4 stars; one submission).

Conditions:
Fabry disease. Also called: ALPHA-GALACTOSIDASE A DEFICIENCY; ANDERSON-FABRY DISEASE; CERAMIDE TRIHEXOSIDASE DEFICIENCY; GLA DEFICIENCY; HEREDITARY DYSTOPIC LIPIDOSIS; Angiokeratoma corporis diffusum. Identifiers: Orphanet 324, MedGen C0002986, MONDO:0010526, OMIM 301500, HP:0001071. Disease mechanism: Fabry disease is due to inactivating mutations in the X-linked GLA gene resulting in deficiency of the enzyme Alpha Galactosidase-A., loss of function.

Submission:

Genomenon, Inc
Classification: Pathogenic for Fabry disease. Last evaluated: 2026-09-08. Review status: criteria provided, single submitter. Criteria: Genomenon Sequence Variant Interpretation Standards - Updated. Collection method: curation. Allele origin: germline. Affected: yes.
Comment: GLA p.Gly360ArgfsTer5 (c.1077_1120del) is a frameshift variant that is predicted to introduce a premature termination codon and result in a truncated or absent protein product. This variant has been observed in at least one proband with clinical features consistent with Fabry disease (PMID:27560961). Functional or patient cell studies have been reported (PMID:27560961). It is absent or not present at a significant frequency in gnomAD. In conclusion, we classify GLA p.Gly360ArgfsTer5 (c.1077_1120del) as a pathogenic variant.

Literature cited by the submitters: PubMed 27560961.

NM_000169.3(GLA):c.1077_1120del (p.Gly360fs)

Genes: GLA (galactosidase alpha; minus strand), RPL36A-HNRNPH2 (RPL36A-HNRNPH2 readthrough; plus strand). Cytogenetic location: Xq22.1.
Variant type: Deletion.
Coding change: c.1077_1120del on transcript NM_000169.3 (MANE Select); coding-DNA positions 1077 to 1120, 44 bases deleted.
Protein change: p.Gly360fs; shifts the reading frame from glycine 360.
Molecular consequence: frameshift variant. On other transcripts: non-coding transcript variant (3), intron variant (2).
Genome position (GRCh38, 1-based): chrX:101,397,979-101,398,022, 44 bases deleted. GRCh37 (hg19): chrX:100,652,967-100,653,010.
Other names: c.1200_1243del, p.Gly401fs (NM_001406747.1); c.300+2522_300+2565del (NM_001199973.2); c.177+6157_177+6200del (NM_001199974.2); short protein forms G360fs, G401fs.
Identifiers: ClinVar variation 4087052 (VCV004087052.2).